The following is an entry in ClinVar:

NM_000256.3(MYBPC3):c.1823_1830delinsA (p.Pro608fs)

Gene: MYBPC3 (myosin binding protein C3; minus strand). Cytogenetic location: 11p11.2.
Variant type: Indel.
Coding change: c.1823_1830delinsA on transcript NM_000256.3 (MANE Select); coding-DNA positions 1823 to 1830, CTGCCGAC replaced by A.
Protein change: p.Pro608fs; shifts the reading frame from proline 608.
Molecular consequence: frameshift variant.
Genome position (GRCh38, 1-based): chr11:47,341,205-47,341,212, GTCGGCAG replaced by T on the plus strand (CTGCCGAC replaced by A on the coding strand, the reverse complement: MYBPC3 is on the minus strand). VCF-style: chr11-47341205-GTCGGCAG-T. GRCh37 (hg19) VCF-style: chr11-47362756-GTCGGCAG-T.
Other names: c.1823_1830delCTGCCGACinsA (NM_000256.3); c.1823_1830delinsA, p.Pro608fs (LRG_386t1); short protein forms P608fs.
Identifiers: ClinVar variation 432903 (VCV000432903.4), dbSNP rs1555121924, ClinGen allele CA645372896.
Genomic context (GRCh38, chr11:47,341,205, plus strand): 5'-GTGGAGCTTGGCTGACAGGTTGCAGGCGAAGCCCTCGGGCACAAAGCTGTAGTCAGCCTC[GTCGGCAG>T]GTGTGACGTCGTCAATGGTCAGTTTGTGGACCCTGCAGGGGAGCAGTGGCTCAGGGGACC-3'

ClinVar aggregate classification (germline): Pathogenic. Review status: criteria provided, multiple submitters, no conflicts (2 of 4 stars). 3 submissions from 3 submitters: Pathogenic (3). Last evaluated 2025-11-11.

Conditions:
Hypertrophic cardiomyopathy. Also called: HYPERTROPHIC MYOCARDIOPATHY. Identifiers: Orphanet 217569, MedGen C0007194, MeSH D002312, MONDO:0005045, HP:0001639.
Cardiovascular phenotype. Identifiers: MedGen CN230736.

Submissions (3):

Labcorp Genetics (formerly Invitae), Labcorp
Classification: Pathogenic for Hypertrophic cardiomyopathy. Last evaluated: 2025-11-11. Review status: criteria provided, single submitter. Criteria: Invitae Variant Classification Sherloc (09022015). Collection method: clinical testing. Allele origin: germline.
Comment: This sequence change creates a premature translational stop signal (p.Pro608Glnfs*53) in the MYBPC3 gene. It is expected to result in an absent or disrupted protein product. Loss-of-function variants in MYBPC3 are known to be pathogenic (PMID: 19574547). Information on the frequency of this variant in the gnomAD database is not available, as this variant may be reported differently in the database. This premature translational stop signal has been observed in individual(s) with hypertrophic cardiomyopathy (PMID: 37652022). This variant is also known as p.PAD608*fs*53. For these reasons, this variant has been classified as Pathogenic.

Ambry Genetics
Classification: Pathogenic for Cardiovascular phenotype. Last evaluated: 2025-09-26. Review status: criteria provided, single submitter. Criteria: Ambry Variant Classification Scheme 2023. Collection method: clinical testing. Allele origin: germline.
Comment: The c.1823_1830delCTGCCGACinsA pathogenic mutation, located in coding exon 19 of the MYBPC3 gene, results from the deletion of 8 nucleotides and insertion of one nucleotide causing a translational frameshift with a predicted alternate stop codon (p.P608Qfs*53). This variant was reported in individual(s) with features consistent with hypertrophic cardiomyopathy (HCM) (McGurk KA et al. Am J Hum Genet, 2023 Sep;110:1482-1495). This variant is considered to be rare based on population cohorts in the Genome Aggregation Database (gnomAD). This alteration is expected to result in loss of function by premature protein truncation or nonsense-mediated mRNA decay. As such, this alteration is interpreted as a disease-causing mutation.

GeneDx
Classification: Pathogenic. Last evaluated: 2017-06-16. Review status: criteria provided, single submitter. Criteria: GeneDx Variant Classification (06012015). Collection method: clinical testing. Allele origin: germline. Affected: yes.
Comment: Although the c.1823_1830delCTGCCGACinsA pathogenic variant in the MYBPC3 gene has not been reported to our knowledge, this variant causes a shift in reading frame starting at codon proline 608, changing it to a glutamine, and creating a premature stop codon at position 53 of the new reading frame, denoted p.Pro608GlnfsX53. This pathogenic variant is expected to result in either an abnormal, truncated protein product or loss of protein from this allele through nonsense-mediated mRNA decay. Multiple other frameshift variants in the MYBPC3 gene have been reported in Human Gene Mutation Database in association with cardiomyopathy (Stenson et al., 2014). Furthermore, this variant has not been observed in large population cohorts (Lek et al., 2016; 1000 Genomes Consortium et al., 2015; Exome Variant Server).

Literature cited by the submitters: PubMed 19574547 (cited by Labcorp Genetics (formerly Invitae), Labcorp); PubMed 37652022 (cited by Labcorp Genetics (formerly Invitae), Labcorp and Ambry Genetics).